The following is an entry in ClinVar:

ClinVar aggregate classification (germline): Uncertain significance. Review status: criteria provided, multiple submitters, no conflicts (2 of 4 stars). 4 submissions from 4 submitters: Uncertain significance (3). 1 of the submissions does not count toward it. Last evaluated 2025-11-10.

Conditions:
Familial cancer of breast. Also called: Hereditary breast cancer; hereditary breast carcinoma; BREAST CANCER, FAMILIAL. Identifiers: Orphanet 227535, MedGen C0346153, MONDO:0016419, OMIM 114480. Disease mechanism: loss of function.
Hereditary cancer-predisposing syndrome. Also called: Neoplastic Syndromes, Hereditary; Tumor predisposition; Hereditary Cancer Syndrome; Hereditary neoplastic syndrome. Identifiers: Orphanet 140162, MedGen C0027672, MeSH D009386, MONDO:0015356.
Ataxia-telangiectasia syndrome (AT). Also called: Ataxia telangiectasia (A-T); ATAXIA-TELANGIECTASIA, COMPLEMENTATION GROUP A; ATAXIA-TELANGIECTASIA, FRESNO VARIANT; Ataxia-telangiectasia; Ataxia-telangiectasia, complementation group E; LOUIS-BAR SYNDROME. Identifiers: Orphanet 100, MedGen C0004135, MONDO:0008840, OMIM 208900.

Allele frequency attached by ClinVar (database versions not stated): TOPMed 0.00001.

Submissions (4):

Labcorp Genetics (formerly Invitae), Labcorp
Classification: Uncertain significance for Ataxia-telangiectasia syndrome. Last evaluated: 2025-11-10. Review status: criteria provided, single submitter. Criteria: Invitae Variant Classification Sherloc (09022015). Collection method: clinical testing. Allele origin: germline.
Comment: This sequence change replaces lysine, which is basic and polar, with arginine, which is basic and polar, at codon 2237 of the ATM protein (p.Lys2237Arg). This variant is not present in population databases (gnomAD no frequency). This variant has not been reported in the literature in individuals affected with ATM-related conditions. ClinVar contains an entry for this variant (Variation ID: 1020872). Invitae Evidence Modeling of protein sequence and biophysical properties (such as structural, functional, and spatial information, amino acid conservation, physicochemical variation, residue mobility, and thermodynamic stability) indicates that this missense variant is not expected to disrupt ATM protein function with a negative predictive value of 95%. In summary, the available evidence is currently insufficient to determine the role of this variant in disease. Therefore, it has been classified as a Variant of Uncertain Significance.

Baylor Genetics
Classification: Uncertain significance for Familial cancer of breast. Last evaluated: 2023-12-22. Review status: criteria provided, single submitter. Criteria: ACMG Guidelines, 2015. Collection method: clinical testing. Allele origin: unknown.

Ambry Genetics
Classification: Uncertain significance for Hereditary cancer-predisposing syndrome. Last evaluated: 2023-07-21. Review status: criteria provided, single submitter. Criteria: Ambry Variant Classification Scheme 2023. Collection method: clinical testing. Allele origin: germline.
Comment: The p.K2237R variant (also known as c.6710A>G), located in coding exon 45 of the ATM gene, results from an A to G substitution at nucleotide position 6710. The lysine at codon 2237 is replaced by arginine, an amino acid with highly similar properties. This amino acid position is well conserved in available vertebrate species. In addition, this alteration is predicted to be tolerated by in silico analysis. Since supporting evidence is limited at this time, the clinical significance of this alteration remains unclear.

Natera, Inc.
Classification: Uncertain significance for Ataxia-telangiectasia. Last evaluated: 2021-06-02. Review status: no assertion criteria provided. Collection method: clinical testing. Allele origin: germline. Not counted in ClinVar's aggregate classification.

NM_000051.4(ATM):c.6710A>G (p.Lys2237Arg)

Genes: ATM (ATM serine/threonine kinase; plus strand), C11orf65 (chromosome 11 open reading frame 65; minus strand). Cytogenetic location: 11q22.3.
Variant type: single nucleotide variant.
Coding change: c.6710A>G on transcript NM_000051.4 (MANE Select); coding-DNA position 6710, A replaced by G.
Protein change: p.Lys2237Arg; replaces lysine 2237 with arginine.
Molecular consequence: missense variant. On other transcripts: intron variant (2).
Genome position (GRCh38, 1-based): chr11:108,325,447, A>G. VCF-style: chr11-108325447-A-G. GRCh37 (hg19) VCF-style: chr11-108196174-A-G.
Other names: c.6710A>G, p.Lys2237Arg (NM_001351834.2); c.641-16376T>C (NM_001330368.2); c.*38+9773T>C (NM_001351110.2); short protein forms K2237R.
Identifiers: ClinVar variation 1020872 (VCV001020872.22), dbSNP rs35118109, ClinGen allele CA382554998.